The following is an entry in ClinVar:

ClinVar aggregate classification (germline): Uncertain significance. Review status: criteria provided, multiple submitters, no conflicts (2 of 4 stars). 2 submissions from 2 submitters: Uncertain significance (2). Last evaluated 2024-08-13.

Conditions:
Neuroblastoma, susceptibility to, 3. Also called: ALK-Related Neuroblastic Tumor Susceptibility. Identifiers: Orphanet 635, MedGen C2751681, MONDO:0013083, OMIM 613014.
Hereditary cancer-predisposing syndrome. Also called: Tumor predisposition; Neoplastic Syndromes, Hereditary; Hereditary Cancer Syndrome; Hereditary neoplastic syndrome. Identifiers: Orphanet 140162, MedGen C0027672, MeSH D009386, MONDO:0015356.

Allele frequency attached by ClinVar (database versions not stated): gnomAD exomes below 0.00001.
gnomAD v4.1: 2 of 1,553,468 alleles (0.00013%); highest among the groups gnomAD compares: South Asian, 0.0012%; no homozygotes.

Submissions (2):

Labcorp Genetics (formerly Invitae), Labcorp
Classification: Uncertain significance for Neuroblastoma, susceptibility to, 3. Last evaluated: 2024-08-13. Review status: criteria provided, single submitter. Criteria: Invitae Variant Classification Sherloc (09022015). Collection method: clinical testing. Allele origin: germline.
Comment: This sequence change replaces threonine, which is neutral and polar, with isoleucine, which is neutral and non-polar, at codon 111 of the ALK protein (p.Thr111Ile). This variant is not present in population databases (gnomAD no frequency). This variant has not been reported in the literature in individuals affected with ALK-related conditions. ClinVar contains an entry for this variant (Variation ID: 1058721). An algorithm developed to predict the effect of missense changes on protein structure and function (PolyPhen-2) suggests that this variant is likely to be tolerated. In summary, the available evidence is currently insufficient to determine the role of this variant in disease. Therefore, it has been classified as a Variant of Uncertain Significance.

Ambry Genetics
Classification: Uncertain significance for Hereditary cancer-predisposing syndrome. Last evaluated: 2023-11-18. Review status: criteria provided, single submitter. Criteria: Ambry Variant Classification Scheme 2023. Collection method: clinical testing. Allele origin: germline.
Comment: The p.T111I variant (also known as c.332C>T), located in coding exon 1 of the ALK gene, results from a C to T substitution at nucleotide position 332. The threonine at codon 111 is replaced by isoleucine, an amino acid with similar properties. This amino acid position is conserved. In addition, this alteration is predicted to be tolerated by in silico analysis. Since supporting evidence is limited at this time, the clinical significance of this alteration remains unclear.

NM_004304.5(ALK):c.332C>T (p.Thr111Ile)

Gene: ALK (ALK receptor tyrosine kinase; minus strand). Cytogenetic location: 2p23.1.
Variant type: single nucleotide variant.
Coding change: c.332C>T on transcript NM_004304.5 (MANE Select); coding-DNA position 332, C replaced by T.
Protein change: p.Thr111Ile; replaces threonine 111 with isoleucine.
Molecular consequence: missense variant.
Genome position (GRCh38, 1-based): chr2:29,920,328, G>A on the plus strand (C>T on the coding strand, the complement: ALK is on the minus strand). VCF-style: chr2-29920328-G-A. GRCh37 (hg19) VCF-style: chr2-30143194-G-A.
Other names: c.332C>T (NM_004304.4); short protein forms T111I.
Identifiers: ClinVar variation 1058721 (VCV001058721.10), dbSNP rs1667958706, ClinGen allele CA346590243.